The following is an entry in ClinVar:

ClinVar aggregate classification (germline): Pathogenic (1 of 4 stars; one submission).

Conditions:
Familial adenomatous polyposis 1 (FAP1). Also called: FAMILIAL ADENOMATOUS POLYPOSIS 1, ATTENUATED; POLYPOSIS, ADENOMATOUS INTESTINAL. Identifiers: MedGen C2713442, MONDO:0021056, OMIM 175100. Disease mechanism: loss of function.

Submission:

Labcorp Genetics (formerly Invitae), Labcorp
Classification: Pathogenic for Familial adenomatous polyposis 1. Last evaluated: 2017-09-23. Review status: criteria provided, single submitter. Criteria: Invitae Variant Classification Sherloc (09022015). Collection method: clinical testing. Allele origin: germline.
Comment: This variant has not been reported in the literature in individuals with APC-related disease. Loss-of-function variants in APC are known to be pathogenic (PMID: 17963004, 20685668). For these reasons, this variant has been classified as Pathogenic. This variant is not present in population databases (ExAC no frequency). This sequence change results in a premature translational stop signal in the APC gene (p.Asn1455Alafs*19). While this is not anticipated to result in nonsense mediated decay, it is expected to disrupt the last 1389 amino acids (49%) of the APC protein.

Literature cited by the submitters: PubMed 17963004; PubMed 20685668.

NM_000038.6(APC):c.4363_4365delinsGCTGA (p.Asn1455fs)

Gene: APC (APC regulator of Wnt signaling pathway; plus strand). Cytogenetic location: 5q22.2.
Variant type: Indel.
Coding change: c.4363_4365delinsGCTGA on transcript NM_000038.6 (MANE Select); coding-DNA positions 4363 to 4365, AAT replaced by GCTGA.
Protein change: p.Asn1455fs; shifts the reading frame from asparagine 1455.
Molecular consequence: frameshift variant.
Genome position (GRCh38, 1-based): chr5:112,839,957-112,839,959, AAT replaced by GCTGA. VCF-style: chr5-112839957-AAT-GCTGA. GRCh37 (hg19) VCF-style: chr5-112175654-AAT-GCTGA.
Other names: c.4363_4365delinsGCTGA, p.Asn1455fs (NM_001127510.3, NM_001354895.2); c.4309_4311delinsGCTGA, p.Asn1437fs (NM_001127511.3); c.4417_4419delinsGCTGA, p.Asn1473fs (NM_001354896.2); c.4393_4395delinsGCTGA, p.Asn1465fs (NM_001354897.2); c.4288_4290delinsGCTGA, p.Asn1430fs (NM_001354898.2); c.4279_4281delinsGCTGA, p.Asn1427fs (NM_001354899.2); c.4240_4242delinsGCTGA, p.Asn1414fs (NM_001354900.2); c.4186_4188delinsGCTGA, p.Asn1396fs (NM_001354901.2); and 5 more; short protein forms N1465fs, N1172fs, N1295fs, N1329fs, N1396fs, N1430fs, N1437fs, N1455fs.
Identifiers: ClinVar variation 537553 (VCV000537553.5), dbSNP rs1554085825, ClinGen allele CA658796568.